The following is an entry in ClinVar:

ClinVar aggregate classification (germline): Likely benign (0 of 4 stars; one submission).

Conditions:
ADGRG6-related disorder. Also called: ADGRG6-related condition.

Allele frequency attached by ClinVar (database versions not stated): 1000 Genomes Project 0.00020; gnomAD 0.00025; 1000 Genomes Project 30x 0.00031; TOPMed 0.00031; ExAC 0.00036; ESP Exome Variant Server 0.00050.
gnomAD v4.1: 426 of 1,552,858 alleles (0.027%); highest among the groups gnomAD compares: Middle Eastern, 0.034%; 1 homozygote.

Submission:

PreventionGenetics, part of Exact Sciences
Classification: Likely benign for ADGRG6-related condition. Last evaluated: 2019-06-03. Review status: no assertion criteria provided. Collection method: clinical testing. Allele origin: germline.
Comment: This variant is classified as likely benign based on ACMG/AMP sequence variant interpretation guidelines (Richards et al. 2015 PMID: 25741868, with internal and published modifications).

NM_198569.3(ADGRG6):c.1138+9C>T

Gene: ADGRG6 (adhesion G protein-coupled receptor G6; plus strand). Cytogenetic location: 6q24.2.
Variant type: single nucleotide variant.
Coding change: c.1138+9C>T on transcript NM_198569.3 (MANE Select); 9 bases into the intron after coding-DNA position 1138, C replaced by T.
Molecular consequence: intron variant.
Genome position (GRCh38, 1-based): chr6:142,382,028, C>T. VCF-style: chr6-142382028-C-T. GRCh37 (hg19) VCF-style: chr6-142703165-C-T.
Other names: c.1138+9C>T (NM_020455.6, NM_001032394.3, NM_001032395.3).
Identifiers: ClinVar variation 3043727 (VCV003043727.2), dbSNP rs201373020, ClinGen allele CA4026802.